The following is an entry in ClinVar:

ClinVar aggregate classification (germline): Uncertain significance. Review status: criteria provided, multiple submitters, no conflicts (2 of 4 stars). 2 submissions from 2 submitters: Uncertain significance (2). Last evaluated 2025-11-19.

Conditions:
Inborn genetic diseases. Identifiers: MedGen C0950123, MeSH D030342.

Submissions (2):

Ambry Genetics
Classification: Uncertain significance for Inborn genetic diseases. Last evaluated: 2025-11-19. Review status: criteria provided, single submitter. Criteria: Ambry Variant Classification Scheme 2023. Collection method: clinical testing. Allele origin: germline.
Comment: The p.I1429L variant (also known as c.4285A>C), located in coding exon 30 of the ANKRD26 gene, results from an A to C substitution at nucleotide position 4285. The isoleucine at codon 1429 is replaced by leucine, an amino acid with highly similar properties. This amino acid position is conserved. In addition, this alteration is predicted to be tolerated by in silico analysis. Based on the available evidence, the clinical significance of this variant remains unclear.

GeneDx
Classification: Uncertain significance. Last evaluated: 2022-11-17. Review status: criteria provided, single submitter. Criteria: GeneDx Variant Classification Process June 2021. Collection method: clinical testing. Allele origin: germline. Affected: yes.
Comment: Not observed at significant frequency in large population cohorts (gnomAD); In silico analysis supports that this missense variant does not alter protein structure/function; Has not been previously published as pathogenic or benign to our knowledge

NM_014915.3(ANKRD26):c.4285A>C (p.Ile1429Leu)

Gene: ANKRD26 (ankyrin repeat domain 26; minus strand). Cytogenetic location: 10p12.1.
Variant type: single nucleotide variant.
Coding change: c.4285A>C on transcript NM_014915.3 (MANE Select); coding-DNA position 4285, A replaced by C.
Protein change: p.Ile1429Leu; replaces isoleucine 1429 with leucine.
Molecular consequence: missense variant.
Genome position (GRCh38, 1-based): chr10:27,017,723, T>G on the plus strand (A>C on the coding strand, the complement: ANKRD26 is on the minus strand). VCF-style: chr10-27017723-T-G. GRCh37 (hg19) VCF-style: chr10-27306652-T-G.
Other names: c.4282A>C, p.Ile1428Leu (NM_001256053.2); short protein forms I1428L, I1429L.
Identifiers: ClinVar variation 2502463 (VCV002502463.2), dbSNP rs2538573729, ClinGen allele CA376358082.
Genomic context (GRCh38, chr10:27,017,723, plus strand): 5'-TCTGTAGTTTTTCACATTTCTTTTGTACTGTTTTCATAGATAACAACTCCTCTTGAAGAA[T>G]TTGGTTCTTTGTATCCAGATGTAGACATTTTGAACCTGCAGTCTCCAGTTCTGCTGTAAG-3'
Protein context (NP_055730.2, residues 1419-1439): KCLHLDTKNQ[Ile1429Leu]LQEELLSMKT